The following is an entry in ClinVar:

NM_000283.4(PDE6B):c.1833-1G>C

Gene: PDE6B (phosphodiesterase 6B; plus strand). Cytogenetic location: 4p16.3.
Variant type: single nucleotide variant.
Coding change: c.1833-1G>C on transcript NM_000283.4 (MANE Select); the canonical splice acceptor site of the intron before coding-DNA position 1833, G replaced by C.
Molecular consequence: splice acceptor variant.
Genome position (GRCh38, 1-based): chr4:663,099, G>C. VCF-style: chr4-663099-G-C. GRCh37 (hg19) VCF-style: chr4-656888-G-C.
Other names: c.1833-1G>C (NM_001145291.2); c.996-1G>C (NM_001379246.1, NM_001379247.1, NM_001145292.2 and 1 more transcripts); c.678-1G>C (NM_001350155.3).
Identifiers: ClinVar variation 960303 (VCV000960303.10), dbSNP rs1737312210, ClinGen allele CA355917713.

ClinVar aggregate classification (germline): Pathogenic (1 of 4 stars; one submission).

Submission:

Labcorp Genetics (formerly Invitae), Labcorp
Classification: Pathogenic. Last evaluated: 2022-02-09. Review status: criteria provided, single submitter. Criteria: Invitae Variant Classification Sherloc (09022015). Collection method: clinical testing. Allele origin: germline.
Comment: Algorithms developed to predict the effect of sequence changes on RNA splicing suggest that this variant may disrupt the consensus splice site. For these reasons, this variant has been classified as Pathogenic. This sequence change affects an acceptor splice site in intron 14 of the PDE6B gene. It is expected to disrupt RNA splicing. Variants that disrupt the donor or acceptor splice site typically lead to a loss of protein function (PMID: 16199547), and loss-of-function variants in PDE6B are known to be pathogenic (PMID: 8394174, 8595886, 22334370). ClinVar contains an entry for this variant (Variation ID: 960303). Disruption of this splice site has been observed in individuals with retinitis pigmentosa (PMID: 25097241; Invitae). This variant is not present in population databases (gnomAD no frequency).

Literature cited by the submitters: PubMed 16199547; PubMed 8394174; PubMed 8595886; PubMed 22334370; PubMed 25097241.